The following is an entry in ClinVar:

NM_001199138.2(NLRC4):c.-118-1G>A

Gene: NLRC4 (NLR family CARD domain containing 4; minus strand). Cytogenetic location: 2p22.3.
Variant type: single nucleotide variant.
Coding change: c.-118-1G>A on transcript NM_001199138.2 (MANE Select); the canonical splice acceptor site of the intron before 118 bases upstream of the start codon, G replaced by A.
Molecular consequence: splice acceptor variant.
Genome position (GRCh38, 1-based): chr2:32,256,894, C>T on the plus strand (G>A on the coding strand, the complement: NLRC4 is on the minus strand). VCF-style: chr2-32256894-C-T. GRCh37 (hg19) VCF-style: chr2-32481963-C-T.
Other names: c.-118-1G>A (NM_001302504.1, NM_021209.4, NM_001199139.1).
Identifiers: ClinVar variation 103071 (VCV000103071.2), dbSNP rs199476291, ClinGen allele CA230072.
Genomic context (GRCh38, chr2:32,256,894, plus strand): 5'-TGGAAAGGTCAAAGGTGATCCCAATATTGTCCTCTTTTTTCTGTAAAACTACTCTTCATT[C>T]TGTAAAACAAACAAAACAGAACCAGAGACTATCAGGTGGAGGGGCTGATGCAATTATCTA-3'

ClinVar aggregate classification (germline): not provided (0 of 4 stars; one submission).

Submission:

Human Evolutionary Genetics, Institut Pasteur
No classification provided. Review status: no classification provided. Collection method: not provided. Allele origin: germline.
ClinVar note: Converted during submission from untested to not provided.